The following is an entry in ClinVar:

ClinVar aggregate classification (germline): Uncertain significance (1 of 4 stars; one submission).

Conditions:
Early-infantile DEE. Also called: Early infantile epileptic encephalopathy; Ohtahara syndrome; Early infantile epileptic encephalopathy with suppression bursts. Identifiers: Orphanet 1934, MedGen C0393706, MONDO:0800491.

gnomAD v4.1: 1 of 1,614,210 alleles (0.000062%); highest among the groups gnomAD compares: East Asian, 0.0022%; no homozygotes.

Submission:

Labcorp Genetics (formerly Invitae), Labcorp
Classification: Uncertain significance for Early-infantile DEE. Last evaluated: 2022-03-18. Review status: criteria provided, single submitter. Criteria: Invitae Variant Classification Sherloc (09022015). Collection method: clinical testing. Allele origin: germline.
Comment: This variant is not present in population databases (gnomAD no frequency). This variant has not been reported in the literature in individuals affected with SPTAN1-related conditions. Algorithms developed to predict the effect of missense changes on protein structure and function (SIFT, PolyPhen-2, Align-GVGD) all suggest that this variant is likely to be tolerated. In summary, the available evidence is currently insufficient to determine the role of this variant in disease. Therefore, it has been classified as a Variant of Uncertain Significance. This sequence change replaces aspartic acid, which is acidic and polar, with glycine, which is neutral and non-polar, at codon 1745 of the SPTAN1 protein (p.Asp1745Gly).

NM_001130438.3(SPTAN1):c.5234A>G (p.Asp1745Gly)

Gene: SPTAN1 (spectrin alpha, non-erythrocytic 1; plus strand). Cytogenetic location: 9q34.11.
Variant type: single nucleotide variant.
Coding change: c.5234A>G on transcript NM_001130438.3 (MANE Select); coding-DNA position 5234, A replaced by G.
Protein change: p.Asp1745Gly; replaces aspartic acid 1745 with glycine.
Molecular consequence: missense variant.
Genome position (GRCh38, 1-based): chr9:128,615,717, A>G. VCF-style: chr9-128615717-A-G. GRCh37 (hg19) VCF-style: chr9-131377996-A-G.
Other names: c.5159A>G, p.Asp1720Gly (NM_001195532.2); c.5234A>G, p.Asp1745Gly (NM_001363759.2, NM_001375310.1, NM_001375311.2 and 1 more transcripts); c.5174A>G, p.Asp1725Gly (NM_001363765.2, NM_001375314.2); c.5270A>G, p.Asp1757Gly (NM_001375312.2, NM_001375318.1); c.5219A>G, p.Asp1740Gly (NM_003127.4); short protein forms D1720G, D1740G, D1757G, D1745G, D1725G.
Identifiers: ClinVar variation 2113487 (VCV002113487.4), dbSNP rs1023221228, ClinGen allele CA375074558.